The following is an entry in ClinVar:

NM_000492.4(CFTR):c.3419_3421del (p.Met1140del)

Genes: CFTR (CF transmembrane conductance regulator; plus strand), CFTR-AS2 (CFTR antisense RNA 2; minus strand). Cytogenetic location: 7q31.2.
Variant type: Deletion.
Coding change: c.3419_3421del on transcript NM_000492.4 (MANE Select); coding-DNA positions 3419 to 3421, 3 bases deleted (TGA; older notation c.3419_3421delTGA).
Protein change: p.Met1140del; deletes methionine 1140.
Molecular consequence: inframe deletion.
Genome position (GRCh38, 1-based): chr7:117,614,664-117,614,666, TGA deleted; deleting any 3 consecutive bases within chr7:117,614,663-117,614,666 gives the same sequence; the c. name uses the placement nearest the transcript's 3' end. VCF-style (leftmost placement, unchanged base first): chr7-117614662-CATG-C. GRCh37 (hg19) VCF-style: chr7-117254716-CATG-C.
Other names: c.3418_3420delATG (NM_000492.3); short protein forms M1140del.
Identifiers: ClinVar variation 53737 (VCV000053737.2), dbSNP rs397508557, ClinGen allele CA327176.

ClinVar aggregate classification (germline): Pathogenic. Review status: criteria provided, single submitter (1 of 4 stars). 2 submissions from 2 submitters: Pathogenic (1). 1 of the submissions does not count toward it. Last evaluated 2018-01-29.

Conditions:
CFTR-related disorder (CFTR-RD). Also called: CFTR-related condition; CFTR-related disorders. Identifiers: MedGen C5924204, MONDO:7770004.
Cystic fibrosis (CF). Also called: MUCOVISCIDOSIS. Identifiers: Orphanet 586, MedGen C0010674, MONDO:0009061, OMIM 219700. Disease mechanism: loss of function.

Submissions (2):

CFTR-France
Classification: Pathogenic for cystic fibrosis; CFTR-related disorders. Last evaluated: 2018-01-29. Review status: criteria provided, single submitter. Criteria: Claustres M et al. (Hum Mutat 2017). Collection method: curation. Allele origin: germline. Affected: yes.
Comment: the variant causes a phenotype but regarding our data, we can't formally attribute it to CF, CFTR-RD or both

ClinVar Staff, National Center for Biotechnology Information (NCBI)
No classification provided. Condition: CFTR-related disorders. Review status: no classification provided. Collection method: literature only. Allele origin: germline. Affected: yes. Not counted in ClinVar's aggregate classification.

Literature cited by the submitters: PubMed 11379874 (cited by ClinVar Staff, National Center for Biotechnology Information (NCBI)); PubMed 9804160 (cited by ClinVar Staff, National Center for Biotechnology Information (NCBI)).